The following is an entry in ClinVar:

NM_133259.4(LRPPRC):c.148G>A (p.Gly50Arg)

Gene: LRPPRC (leucine rich pentatricopeptide repeat containing; minus strand). Cytogenetic location: 2p21.
Variant type: single nucleotide variant.
Coding change: c.148G>A on transcript NM_133259.4 (MANE Select); coding-DNA position 148, G replaced by A.
Protein change: p.Gly50Arg; replaces glycine 50 with arginine.
Molecular consequence: missense variant.
Genome position (GRCh38, 1-based): chr2:43,995,800, C>T on the plus strand (G>A on the coding strand, the complement: LRPPRC is on the minus strand). VCF-style: chr2-43995800-C-T. GRCh37 (hg19) VCF-style: chr2-44222939-C-T.
Other names: short protein forms G50R.
Identifiers: ClinVar variation 2187020 (VCV002187020.3), dbSNP rs2465900178, ClinGen allele CA346678939.
Genomic context (GRCh38, chr2:43,995,800, plus strand): 5'-CACGACCCCGGGGGACCCTGGCGCCGCAGCTTGCCTGGAGAAAGGGCCTGGGCACTCACC[C>T]GGCCACGGGCCCGGCGCGAGCGGCGGGCAGATAGGAGGCGGCATGCAGCCGGCCCGGGCC-3'
Protein context (NP_573566.2, residues 40-60): LPAARAGPVA[Gly50Arg]GLLSPARLYA

ClinVar aggregate classification (germline): Uncertain significance (1 of 4 stars; one submission).

gnomAD v4.1: 3 of 1,385,878 alleles (0.00022%); highest among the groups gnomAD compares: Non-Finnish European, 0.00028%; no homozygotes.

Submission:

Labcorp Genetics (formerly Invitae), Labcorp
Classification: Uncertain significance. Last evaluated: 2024-06-12. Review status: criteria provided, single submitter. Criteria: Invitae Variant Classification Sherloc (09022015). Collection method: clinical testing. Allele origin: germline.
Comment: This sequence change replaces glycine, which is neutral and non-polar, with arginine, which is basic and polar, at codon 50 of the LRPPRC protein (p.Gly50Arg). This variant is not present in population databases (gnomAD no frequency). This variant has not been reported in the literature in individuals affected with LRPPRC-related conditions. ClinVar contains an entry for this variant (Variation ID: 2187020). Algorithms developed to predict the effect of missense changes on protein structure and function output the following: SIFT: "Not Available"; PolyPhen-2: "Benign"; Align-GVGD: "Not Available". The arginine amino acid residue is found in multiple mammalian species, which suggests that this missense change does not adversely affect protein function. In summary, the available evidence is currently insufficient to determine the role of this variant in disease. Therefore, it has been classified as a Variant of Uncertain Significance.